The following is an entry in ClinVar:

NM_000271.5(NPC1):c.1778del (p.Asn593fs)

Gene: NPC1 (NPC intracellular cholesterol transporter 1; minus strand). Cytogenetic location: 18q11.2.
Variant type: Deletion.
Coding change: c.1778del on transcript NM_000271.5 (MANE Select); coding-DNA position 1778, one base deleted (A; older notation c.1778delA).
Protein change: p.Asn593fs; shifts the reading frame from asparagine 593.
Molecular consequence: frameshift variant.
Genome position (GRCh38, 1-based): chr18:23,545,129, T deleted on the plus strand (A on the coding strand, the reverse complement: NPC1 is on the minus strand); the first of 5 consecutive T bases (chr18:23,545,129-23,545,133); deleting any one gives the same sequence. VCF-style (leftmost placement, unchanged base first): chr18-23545128-GT-G. GRCh37 (hg19) VCF-style: chr18-21125092-GT-G.
Other names: short protein forms N593fs.
Identifiers: ClinVar variation 5016150 (VCV005016150.1).

ClinVar aggregate classification (germline): Pathogenic (1 of 4 stars; one submission).

Conditions:
Niemann-Pick disease, type C1. Also called: NEUROVISCERAL STORAGE DISEASE WITH VERTICAL SUPRANUCLEAR OPHTHALMOPLEGIA; NIEMANN-PICK DISEASE WITH CHOLESTEROL ESTERIFICATION BLOCK; NIEMANN-PICK DISEASE WITHOUT SPHINGOMYELINASE DEFICIENCY; NIEMANN-PICK DISEASE, CHRONIC NEURONOPATHIC FORM; NIEMANN-PICK DISEASE, VARIANT TYPE C1. Identifiers: Orphanet 646, MedGen C3179455, MONDO:0009757, OMIM 257220.

Submission:

Myriad Genetics, Inc.
Classification: Pathogenic for Niemann-Pick disease, type C1. Last evaluated: 2026-07-22. Review status: criteria provided, single submitter. Criteria: Myriad Autosomal Dominant, Autosomal Recessive and X-Linked Classification Criteria (2023). Collection method: clinical testing. Allele origin: unknown.
Comment: NM_000271.4(NPC1):c.1778delA(N593Tfs*7) is expected to be pathogenic in the context of Niemann-Pick disease type C1. This variant is predicted to lead to an abnormal or absent protein product due to the creation of a premature termination codon in NPC1, a gene where loss-of-function variants are known to be pathogenic. Please note: this variant was assessed in the context of healthy population screening.